The following is an entry in ClinVar:

NM_030665.4(RAI1):c.5307G>C (p.Leu1769=)

Gene: RAI1 (retinoic acid induced 1; plus strand). Cytogenetic location: 17p11.2.
Variant type: single nucleotide variant.
Coding change: c.5307G>C on transcript NM_030665.4 (MANE Select); coding-DNA position 5307, G replaced by C.
Protein change: p.Leu1769=; no amino-acid change (leucine 1769 retained).
Molecular consequence: synonymous variant.
Genome position (GRCh38, 1-based): chr17:17,798,255, G>C. VCF-style: chr17-17798255-G-C. GRCh37 (hg19) VCF-style: chr17-17701569-G-C.
Other names: c.5307G>C (NM_030665.3).
Identifiers: ClinVar variation 1616652 (VCV001616652.10), dbSNP rs369789562, ClinGen allele CA288371985.

ClinVar aggregate classification (germline): Likely benign. Review status: criteria provided, single submitter (1 of 4 stars). 2 submissions from 2 submitters: Likely benign (1). 1 of the submissions does not count toward it. Last evaluated 2024-02-07.

Conditions:
RAI1-related disorder. Also called: RAI1-related condition.

gnomAD v4.1: 17 of 1,605,312 alleles (0.0011%); highest among the groups gnomAD compares: Admixed American, 0.0051%; no homozygotes.

Submissions (2):

Labcorp Genetics (formerly Invitae), Labcorp
Classification: Likely benign. Last evaluated: 2024-02-07. Review status: criteria provided, single submitter. Criteria: Invitae Variant Classification Sherloc (09022015). Collection method: clinical testing. Allele origin: germline.

PreventionGenetics, part of Exact Sciences
Classification: Likely benign for RAI1-related condition. Last evaluated: 2022-05-04. Review status: no assertion criteria provided. Collection method: clinical testing. Allele origin: germline. Not counted in ClinVar's aggregate classification.
Comment: This variant is classified as likely benign based on ACMG/AMP sequence variant interpretation guidelines (Richards et al. 2015 PMID: 25741868, with internal and published modifications).